The following is an entry in ClinVar:

ClinVar aggregate classification (germline): Uncertain significance (1 of 4 stars; one submission).

Conditions:
Joubert syndrome. Also called: CEREBELLOPARENCHYMAL DISORDER IV; JOUBERT-BOLTSHAUSER SYNDROME; Familial aplasia of the vermis. Identifiers: Orphanet 475, MedGen C5979921, MONDO:0018772.
Meckel-Gruber syndrome. Also called: DYSENCEPHALIA SPLANCHNOCYSTICA; GRUBER SYNDROME; Dysencephalia splachnocystica. Identifiers: Orphanet 564, MedGen C0265215, MONDO:0018921.

Allele frequency attached by ClinVar (database versions not stated): gnomAD 0.00001.
gnomAD v4.1: 2 of 1,613,978 alleles (0.00012%); highest among the groups gnomAD compares: African/African-American, 0.0027%; no homozygotes.

Submission:

Labcorp Genetics (formerly Invitae), Labcorp
Classification: Uncertain significance for Joubert syndrome; Meckel-Gruber syndrome. Last evaluated: 2021-11-08. Review status: criteria provided, single submitter. Criteria: Invitae Variant Classification Sherloc (09022015). Collection method: clinical testing. Allele origin: germline.
Comment: This sequence change replaces glutamic acid, which is acidic and polar, with aspartic acid, which is acidic and polar, at codon 280 of the MKS1 protein (p.Glu280Asp). This variant is present in population databases (no rsID available, gnomAD 0.01%). This variant has not been reported in the literature in individuals affected with MKS1-related conditions. Algorithms developed to predict the effect of missense changes on protein structure and function (SIFT, PolyPhen-2, Align-GVGD) all suggest that this variant is likely to be disruptive. In summary, the available evidence is currently insufficient to determine the role of this variant in disease. Therefore, it has been classified as a Variant of Uncertain Significance.

NM_017777.4(MKS1):c.840A>C (p.Glu280Asp)

Gene: MKS1 (MKS transition zone complex subunit 1; minus strand). Cytogenetic location: 17q22.
Variant type: single nucleotide variant.
Coding change: c.840A>C on transcript NM_017777.4 (MANE Select); coding-DNA position 840, A replaced by C.
Protein change: p.Glu280Asp; replaces glutamic acid 280 with aspartic acid.
Molecular consequence: missense variant.
Genome position (GRCh38, 1-based): chr17:58,213,000, T>G on the plus strand (A>C on the coding strand, the complement: MKS1 is on the minus strand). VCF-style: chr17-58213000-T-G. GRCh37 (hg19) VCF-style: chr17-56290361-T-G.
Other names: c.231A>C, p.Glu77Asp (NM_001321268.2); c.840A>C, p.Glu280Asp (NM_001321269.2, NM_001330397.2); short protein forms E280D, E77D.
Identifiers: ClinVar variation 1407554 (VCV001407554.3), dbSNP rs1406421081, ClinGen allele CA400326362.